The following is an entry in ClinVar:

NM_001171.6(ABCC6):c.3043C>T (p.Arg1015Trp)

Gene: ABCC6 (ATP binding cassette subfamily C member 6; minus strand). Cytogenetic location: 16p13.11.
Variant type: single nucleotide variant.
Coding change: c.3043C>T on transcript NM_001171.6 (MANE Select); coding-DNA position 3043, C replaced by T.
Protein change: p.Arg1015Trp; replaces arginine 1015 with tryptophan.
Molecular consequence: missense variant. On other transcripts: non-coding transcript variant (1).
Genome position (GRCh38, 1-based): chr16:16,165,886, G>A on the plus strand (C>T on the coding strand, the complement: ABCC6 is on the minus strand). VCF-style: chr16-16165886-G-A. GRCh37 (hg19) VCF-style: chr16-16259743-G-A.
Other names: c.2701C>T, p.Arg901Trp (NM_001351800.1); short protein forms R1015W, R901W.
Identifiers: ClinVar variation 1414938 (VCV001414938.9), dbSNP rs756768329, ClinGen allele CA7925698.

ClinVar aggregate classification (germline): Uncertain significance. Review status: criteria provided, multiple submitters, no conflicts (2 of 4 stars). 4 submissions from 4 submitters: Uncertain significance (4). Last evaluated 2025-01-08.

Conditions:
Inborn genetic diseases. Identifiers: MedGen C0950123, MeSH D030342.
Arterial calcification, generalized, of infancy, 2. Identifiers: Orphanet 51608, MedGen C3276161, MONDO:0013768, OMIM 614473.
Autosomal recessive inherited pseudoxanthoma elasticum (PXE). Identifiers: Orphanet 758, MedGen CN032334, MONDO:0009925, OMIM 264800.
Pseudoxanthoma elasticum, forme fruste. Also called: PSEUDOXANTHOMA ELASTICUM, HETEROZYGOUS; Pseudoxanthoma Elasticum, Incomplete. Identifiers: Orphanet 758, MedGen C1867450, MONDO:0008333, OMIM 177850.

Allele frequency attached by ClinVar (database versions not stated): gnomAD 0.00004 and 0.00003; TOPMed 0.00005.
gnomAD v4.1: 38 of 1,613,022 alleles (0.0024%); highest among the groups gnomAD compares: African/African-American, 0.0067%; no homozygotes.

Submissions (4):

Dasa
Classification: Uncertain significance. Last evaluated: 2025-01-08. Review status: criteria provided, single submitter. Criteria: DASA Assertion Criteria. Collection method: clinical testing. Allele origin: germline.
Comment: NM_001171.6(ABCC6):c.3043C>T (p.Arg1015Trp) is a missense variant that results in the substitution of arginine with tryptophan. This variant is rare in population databases. The currently available literature and clinical evidence are not sufficient to establish a definitive association between this variant and the reported condition. Therefore, this variant is classified as a variant of uncertain significance.

Ambry Genetics
Classification: Uncertain significance for Inborn genetic diseases. Last evaluated: 2022-12-02. Review status: criteria provided, single submitter. Criteria: Ambry Variant Classification Scheme 2023. Collection method: clinical testing. Allele origin: germline.

Labcorp Genetics (formerly Invitae), Labcorp
Classification: Uncertain significance. Last evaluated: 2022-08-23. Review status: criteria provided, single submitter. Criteria: Invitae Variant Classification Sherloc (09022015). Collection method: clinical testing. Allele origin: germline.
Comment: This sequence change replaces arginine, which is basic and polar, with tryptophan, which is neutral and slightly polar, at codon 1015 of the ABCC6 protein (p.Arg1015Trp). This variant is present in population databases (rs756768329, gnomAD 0.01%). This variant has not been reported in the literature in individuals affected with ABCC6-related conditions. ClinVar contains an entry for this variant (Variation ID: 1414938). Advanced modeling of protein sequence and biophysical properties (such as structural, functional, and spatial information, amino acid conservation, physicochemical variation, residue mobility, and thermodynamic stability) performed at Invitae indicates that this missense variant is not expected to disrupt ABCC6 protein function. In summary, the available evidence is currently insufficient to determine the role of this variant in disease. Therefore, it has been classified as a Variant of Uncertain Significance.

Fulgent Genetics
Classification: Uncertain significance for Pseudoxanthoma elasticum, forme fruste; Autosomal recessive inherited pseudoxanthoma elasticum; Arterial calcification, generalized, of infancy, 2. Last evaluated: 2022-04-04. Review status: criteria provided, single submitter. Criteria: ACMG Guidelines, 2015. Collection method: clinical testing. Allele origin: unknown.